The following is an entry in ClinVar:

NM_003000.3(SDHB):c.219G>C (p.Leu73Phe)

Gene: SDHB (succinate dehydrogenase complex iron sulfur subunit B; minus strand). Cytogenetic location: 1p36.13.
Variant type: single nucleotide variant.
Coding change: c.219G>C on transcript NM_003000.3 (MANE Select); coding-DNA position 219, G replaced by C.
Protein change: p.Leu73Phe; replaces leucine 73 with phenylalanine.
Molecular consequence: missense variant.
Genome position (GRCh38, 1-based): chr1:17,033,127, C>G on the plus strand (G>C on the coding strand, the complement: SDHB is on the minus strand). VCF-style: chr1-17033127-C-G. GRCh37 (hg19) VCF-style: chr1-17359622-C-G.
Other names: c.219G>C, p.Leu73Phe (NM_001407361.1); short protein forms L73F.
Identifiers: ClinVar variation 2086412 (VCV002086412.4), dbSNP rs2525031713, ClinGen allele CA338276609.
Genomic context (GRCh38, chr1:17,033,127, plus strand): 5'-GCATGATCTTCGGAAGGTCAAAGTAGAGTCAACTTCATTCTTAATCTTGATTAAAGCATC[C>G]AATACCATGGGGCCACATCTAACAAAGAAAAATATCCAGTGGTATTTATGTAACGTTCAA-3'
Protein context (NP_002991.2, residues 63-83): VDLNKCGPMV[Leu73Phe]DALIKIKNEV

ClinVar aggregate classification (germline): Uncertain significance (1 of 4 stars; one submission).

Conditions:
Pheochromocytoma. Also called: MAX-Related Hereditary Paraganglioma-Pheochromocytoma Syndrome. Identifiers: Orphanet 29072, MedGen C0031511, MONDO:0008233, OMIM 171300, HP:0002666.
Pheochromocytoma/paraganglioma syndrome 4. Also called: CAROTID BODY TUMORS AND MULTIPLE EXTRAADRENAL PHEOCHROMOCYTOMAS; PARAGANGLIOMA, FAMILIAL MALIGNANT; PARAGANGLIOMAS, HEREDITARY EXTRAADRENAL; PHEOCHROMOCYTOMA, FAMILIAL EXTRAADRENAL; Paragangliomas 4; SDHB-Related Hereditary Paraganglioma-Pheochromocytoma Syndrome (Paragangliomas 4). Identifiers: Orphanet 29072, MedGen C1861848, MONDO:0007273, OMIM 115310.
Gastrointestinal stromal tumor. Also called: Gastrointestinal stroma tumor; Gastrointestinal stromal tumor, somatic. Identifiers: Orphanet 44890, MedGen C0238198, MeSH D046152, MONDO:0011719, OMIM 606764, HP:0100723.

Submission:

Labcorp Genetics (formerly Invitae), Labcorp
Classification: Uncertain significance for Gastrointestinal stromal tumor; Pheochromocytoma/paraganglioma syndrome 4; Pheochromocytoma. Last evaluated: 2022-01-16. Review status: criteria provided, single submitter. Criteria: Invitae Variant Classification Sherloc (09022015). Collection method: clinical testing. Allele origin: germline.
Comment: In summary, the available evidence is currently insufficient to determine the role of this variant in disease. Therefore, it has been classified as a Variant of Uncertain Significance. Advanced modeling of protein sequence and biophysical properties (such as structural, functional, and spatial information, amino acid conservation, physicochemical variation, residue mobility, and thermodynamic stability) performed at Invitae indicates that this missense variant is expected to disrupt SDHB protein function. This variant has not been reported in the literature in individuals affected with SDHB-related conditions. This variant is not present in population databases (gnomAD no frequency). This sequence change replaces leucine, which is neutral and non-polar, with phenylalanine, which is neutral and non-polar, at codon 73 of the SDHB protein (p.Leu73Phe).